The following is an entry in ClinVar:

NM_001756.4(SERPINA6):c.1011C>T (p.Asp337=)

Gene: SERPINA6 (serpin family A member 6; minus strand). Cytogenetic location: 14q32.13.
Variant type: single nucleotide variant.
Coding change: c.1011C>T on transcript NM_001756.4 (MANE Select); coding-DNA position 1011, C replaced by T.
Protein change: p.Asp337=; no amino-acid change (aspartic acid 337 retained).
Molecular consequence: synonymous variant.
Genome position (GRCh38, 1-based): chr14:94,306,092, G>A on the plus strand (C>T on the coding strand, the complement: SERPINA6 is on the minus strand). VCF-style: chr14-94306092-G-A. GRCh37 (hg19) VCF-style: chr14-94772429-G-A.
Identifiers: ClinVar variation 3056658 (VCV003056658.2), dbSNP rs2228543, ClinGen allele CA7326964.

ClinVar aggregate classification (germline): Benign (0 of 4 stars; one submission).

Conditions:
SERPINA6-related disorder. Also called: SERPINA6-related condition.

Allele frequency attached by ClinVar (database versions not stated): gnomAD exomes 0.13231; ExAC 0.13614; 1000 Genomes Project 0.15375; 1000 Genomes Project 30x 0.15849; gnomAD 0.18240; TOPMed 0.19069; ESP Exome Variant Server 0.20629.
gnomAD v4.1: 221,837 of 1,613,700 alleles (14%); highest among the groups gnomAD compares: African/African-American, 33%; 17,663 homozygotes.

Submission:

PreventionGenetics, part of Exact Sciences
Classification: Benign for SERPINA6-related condition. Last evaluated: 2023-12-07. Review status: no assertion criteria provided. Collection method: clinical testing. Allele origin: germline.
Comment: This variant is classified as benign based on ACMG/AMP sequence variant interpretation guidelines (Richards et al. 2015 PMID: 25741868, with internal and published modifications).